The following is an entry in ClinVar:

NM_001374736.1(DST):c.15334C>A (p.His5112Asn)

Gene: DST (dystonin; minus strand). Cytogenetic location: 6p12.1.
Variant type: single nucleotide variant.
Coding change: c.15334C>A on transcript NM_001374736.1 (MANE Select); coding-DNA position 15334, C replaced by A.
Protein change: p.His5112Asn; replaces histidine 5112 with asparagine.
Molecular consequence: missense variant.
Genome position (GRCh38, 1-based): chr6:56,553,458, G>T on the plus strand (C>A on the coding strand, the complement: DST is on the minus strand). VCF-style: chr6-56553458-G-T. GRCh37 (hg19) VCF-style: chr6-56418256-G-T.
Other names: c.8977C>A, p.His2993Asn (NM_001144769.5); c.8563C>A, p.His2855Asn (NM_001144770.2); c.15334C>A, p.His5112Asn (NM_001374722.1); c.14701C>A, p.His4901Asn (NM_001374729.1); c.8443C>A, p.His2815Asn (NM_001374730.1, NM_183380.4); c.15361C>A, p.His5121Asn (NM_001374734.1); c.7465C>A, p.His2489Asn (NM_015548.5); short protein forms H4901N, H2855N, H2993N, H5112N, H2489N, H2815N, H5121N.
Identifiers: ClinVar variation 965524 (VCV000965524.8), dbSNP rs2097351978, ClinGen allele CA364517338.

ClinVar aggregate classification (germline): Uncertain significance (1 of 4 stars; one submission).

Conditions:
Hereditary sensory and autonomic neuropathy type 6. Also called: Neuropathy, hereditary sensory and autonomic, type VI; HSAN VI. Identifiers: Orphanet 314381, MedGen C3539003, MONDO:0013839, OMIM 614653.
Epidermolysis bullosa simplex 3, localized or generalized intermediate, with BP230 deficiency (EBS3). Also called: Epidermolysis bullosa simplex, autosomal recessive 2; Epidermolysis bullosa simplex due to BP230 deficiency. Identifiers: Orphanet 412181, MedGen C3809470, MONDO:0014180, OMIM 615425.

Submission:

Labcorp Genetics (formerly Invitae), Labcorp
Classification: Uncertain significance for Epidermolysis bullosa simplex 3, localized or generalized intermediate, with BP230 deficiency; Hereditary sensory and autonomic neuropathy type 6. Last evaluated: 2019-07-06. Review status: criteria provided, single submitter. Criteria: Invitae Variant Classification Sherloc (09022015). Collection method: clinical testing. Allele origin: germline.
Comment: This sequence change replaces histidine with asparagine at codon 2489 of the DST protein (p.His2489Asn). The histidine residue is weakly conserved and there is a small physicochemical difference between histidine and asparagine. The DST gene has multiple clinically relevant transcripts. The p.His2489Asn variant occurs in alternate transcript NM_015548.4, which corresponds to c.*62059C>A in NM_001723.5, the primary transcript listed in the Methods. This variant is not present in population databases (ExAC no frequency). This variant has not been reported in the literature in individuals with DST-related conditions. Algorithms developed to predict the effect of missense changes on protein structure and function output the following: SIFT: "Tolerated"; PolyPhen-2: "Not Available"; Align-GVGD: "Class C0". The asparagine amino acid residue is found in multiple mammalian species, suggesting that this missense change does not adversely affect protein function. These predictions have not been confirmed by published functional studies and their clinical significance is uncertain. In summary, the available evidence is currently insufficient to determine the role of this variant in disease. Therefore, it has been classified as a Variant of Uncertain Significance.